The following is an entry in ClinVar:

ClinVar aggregate classification (germline): Pathogenic (1 of 4 stars; one submission).

Submission:

Labcorp Genetics (formerly Invitae), Labcorp
Classification: Pathogenic. Last evaluated: 2019-09-22. Review status: criteria provided, single submitter. Criteria: Invitae Variant Classification Sherloc (09022015). Collection method: clinical testing. Allele origin: germline.
Comment: This sequence change affects a donor splice site in intron 49 of the COL4A5 gene. It is expected to disrupt RNA splicing and likely results in an absent or disrupted protein product. Donor and acceptor splice site variants typically lead to a loss of protein function (PMID: 16199547), and loss-of-function variants in COL4A5 are known to be pathogenic (PMID: 9195222, 10752524, 14514738, 24854265, 26809805). For these reasons, this variant has been classified as Pathogenic. Experimental studies have shown that this variant disrupts mRNA splicing (PMID: 8940267). This variant has been observed in an individual affected with X-linked Alport syndrome (PMID: 8940267). This variant is also known as c.5005+1G>A in the literature. ClinVar contains an entry for this variant (Variation ID: 24775). This variant is not present in population databases (ExAC no frequency).

Literature cited by the submitters: PubMed 16199547; PubMed 9195222; PubMed 10752524; PubMed 14514738; PubMed 24854265; PubMed 26809805; PubMed 8940267.

NM_033380.3(COL4A5):c.4821+1G>A

Gene: COL4A5 (collagen type IV alpha 5 chain; plus strand). Cytogenetic location: Xq22.3.
Variant type: single nucleotide variant.
Coding change: c.4821+1G>A on transcript NM_033380.3 (MANE Select); the canonical splice donor site of the intron after coding-DNA position 4821, G replaced by A.
Molecular consequence: splice donor variant.
Genome position (GRCh38, 1-based): chrX:108,694,922, G>A. VCF-style: chrX-108694922-G-A. GRCh37 (hg19) VCF-style: chrX-107938152-G-A.
Other names: c.4803+1G>A (NM_000495.5).
Identifiers: ClinVar variation 24775 (VCV000024775.11), dbSNP rs587776404, ClinGen allele CA259126.